The following is an entry in ClinVar:

NC_000014.9:g.(?_50909875)_(50912323_?)del

Gene: PYGL (glycogen phosphorylase L; minus strand). Cytogenetic location: 14q22.1.
Variant type: Deletion.
Identifiers: ClinVar variation 831481 (VCV000831481.5).

ClinVar aggregate classification (germline): Pathogenic (1 of 4 stars; one submission).

Conditions:
Glycogen storage disease, type VI (GSD6). Also called: HERS DISEASE; PHOSPHORYLASE DEFICIENCY GLYCOGEN-STORAGE DISEASE OF LIVER; Glycogen storage disease type 6, due to phosphorylation; GSD VI; Glycogen storage disease type 6; Hepatic glycogen phosphorylase deficiency. Identifiers: Orphanet 369, MedGen C0017925, MONDO:0009294, OMIM 232700.

Submission:

Labcorp Genetics (formerly Invitae), Labcorp
Classification: Pathogenic for Glycogen storage disease, type VI. Last evaluated: 2022-12-02. Review status: criteria provided, single submitter. Criteria: Invitae Variant Classification Sherloc (09022015). Collection method: clinical testing. Allele origin: germline.
Comment: For these reasons, this variant has been classified as Pathogenic. A similar copy number variant has been observed in individual(s) with PYGL-related conditions (PMID: 32268899, 32961316). This variant is a gross deletion of the genomic region encompassing exon(s) 14-17 of the PYGL gene. This deletion is out-of-frame, and is expected to create a premature termination codon and result in an absent or disrupted protein product. Loss-of-function variants in PYGL are known to be pathogenic (PMID: 9536091, 21646031).

Literature cited by the submitters: PubMed 32268899; PubMed 32961316; PubMed 9536091; PubMed 21646031.